The following is an entry in ClinVar:

ClinVar aggregate classification (germline): Uncertain significance (1 of 4 stars; one submission).

Submission:

Ambry Genetics
Classification: Uncertain significance. Last evaluated: 2025-06-01. Review status: criteria provided, single submitter. Criteria: Ambry Variant Classification Scheme 2023. Collection method: clinical testing. Allele origin: germline.
Comment: The p.I274V variant (also known as c.820A>G), located in coding exon 1 of the TET2 gene, results from an A to G substitution at nucleotide position 820. The isoleucine at codon 274 is replaced by valine, an amino acid with highly similar properties. This amino acid position is conserved. In addition, this alteration is predicted to be tolerated by in silico analysis. Based on the available evidence, the clinical significance of this variant remains unclear.

NM_001127208.3(TET2):c.820A>G (p.Ile274Val)

Genes: TET2 (tet methylcytosine dioxygenase 2; plus strand), TET2-AS1 (TET2 antisense RNA 1; minus strand). Cytogenetic location: 4q24.
Variant type: single nucleotide variant.
Coding change: c.820A>G on transcript NM_001127208.3 (MANE Select); coding-DNA position 820, A replaced by G.
Protein change: p.Ile274Val; replaces isoleucine 274 with valine.
Molecular consequence: missense variant.
Genome position (GRCh38, 1-based): chr4:105,234,762, A>G. VCF-style: chr4-105234762-A-G. GRCh37 (hg19) VCF-style: chr4-106155919-A-G.
Other names: c.820A>G, p.Ile274Val (NM_017628.4); short protein forms I274V.
Identifiers: ClinVar variation 3967685 (VCV003967685.1).